The following is an entry in ClinVar:

NM_015450.3(POT1):c.1163+3_1163+6del

Gene: POT1 (protection of telomeres 1; minus strand). Cytogenetic location: 7q31.33.
Variant type: Deletion.
Coding change: c.1163+3_1163+6del on transcript NM_015450.3 (MANE Select); bases 3 to 6 of the intron after coding-DNA position 1163, 4 bases deleted (GAGT; older notation c.1163+3_1163+6delGAGT).
Molecular consequence: splice donor variant.
Genome position (GRCh38, 1-based): chr7:124,842,801-124,842,804, ACTC deleted on the plus strand (GAGT on the coding strand, the reverse complement: POT1 is on the minus strand); deleting any 4 consecutive bases within chr7:124,842,801-124,842,806 gives the same sequence; the c. name uses the placement nearest the transcript's 3' end. VCF-style (leftmost placement, unchanged base first): chr7-124842800-TACTC-T. GRCh37 (hg19) VCF-style: chr7-124482854-TACTC-T.
Other names: c.1163+3_1163+6delGAGT (NM_015450.3, NM_015450.2); c.770+3_770+6del (NM_001042594.2).
Identifiers: ClinVar variation 950627 (VCV000950627.15), dbSNP rs1407823530, ClinGen allele CA577288712.
Genomic context (GRCh38, chr7:124,842,800, plus strand): 5'-TATACATATGTGTACATATACACACAAATAATATGAAAACGTTTGTTTTATTATGGAAAA[TACTC>T]ACAGCAAATGACATTTAGGGCAATGAAGTTTAACAGACTGAAATAGTCTTCTGGGCTTAT-3'

ClinVar aggregate classification (germline): Uncertain significance. Review status: criteria provided, multiple submitters, no conflicts (2 of 4 stars). 3 submissions from 3 submitters: Uncertain significance (3). Last evaluated 2026-01-02.

Conditions:
Hereditary cancer-predisposing syndrome. Also called: Tumor predisposition; Hereditary Cancer Syndrome; Neoplastic Syndromes, Hereditary; Hereditary neoplastic syndrome. Identifiers: Orphanet 140162, MedGen C0027672, MeSH D009386, MONDO:0015356.
Tumor predisposition syndrome 3 (TPDS3). Also called: Melanoma, cutaneous malignant, susceptibility to, 10; Glioma susceptibility 9; LONG TELOMERE SYNDROME, POT1-RELATED; POT1 Tumor Predisposition. Identifiers: Orphanet 618, MedGen C4014476, MONDO:0014368, OMIM 615848.

Submissions (3):

Labcorp Genetics (formerly Invitae), Labcorp
Classification: Uncertain significance for Tumor predisposition syndrome 3. Last evaluated: 2026-01-02. Review status: criteria provided, single submitter. Criteria: Invitae Variant Classification Sherloc (09022015). Collection method: clinical testing. Allele origin: germline.
Comment: This sequence change falls in intron 13 of the POT1 gene. It does not directly change the encoded amino acid sequence of the POT1 protein. It affects a nucleotide within the consensus splice site. The frequency data for this variant in the population databases is considered unreliable, as metrics indicate poor data quality at this position in the gnomAD database. This variant has not been reported in the literature in individuals affected with POT1-related conditions. ClinVar contains an entry for this variant (Variation ID: 950627). Variants that disrupt the consensus splice site are a relatively common cause of aberrant splicing (PMID: 17576681, 9536098). Studies have shown that this variant is associated with inconclusive levels of altered splicing (internal data). In summary, the available evidence is currently insufficient to determine the role of this variant in disease. Therefore, it has been classified as a Variant of Uncertain Significance.

Ambry Genetics
Classification: Uncertain significance for Hereditary cancer-predisposing syndrome. Last evaluated: 2025-12-02. Review status: criteria provided, single submitter. Criteria: Ambry Variant Classification Scheme 2023. Collection method: clinical testing. Allele origin: germline.
Comment: The c.1163+3_1163+6delGAGT intronic variant is located downstream of coding exon 9 in the POT1 gene. This variant results from a deletion of 4 nucleotides at positions c.1163+3 to c.1163+6. This region is well conserved in available vertebrate species. In silico splice site analysis predicts that this alteration will weaken the native splice donor site; however, direct evidence is insufficient at this time (Ambry internal data). Based on the available evidence, the clinical significance of this variant remains unclear.

Center for Genomic Medicine, Rigshospitalet, Copenhagen University Hospital
Classification: Uncertain significance. Last evaluated: 2025-03-04. Review status: criteria provided, single submitter. Criteria: ACMG Guidelines, 2015. Collection method: clinical testing. Allele origin: germline.

Literature cited by the submitters: PubMed 17576681 (cited by Labcorp Genetics (formerly Invitae), Labcorp); PubMed 9536098 (cited by Labcorp Genetics (formerly Invitae), Labcorp).